The following is an entry in ClinVar:

NM_014804.3(KIAA0753):c.1409C>T (p.Pro470Leu)

Gene: KIAA0753 (KIAA0753; minus strand). Cytogenetic location: 17p13.1.
Variant type: single nucleotide variant.
Coding change: c.1409C>T on transcript NM_014804.3 (MANE Select); coding-DNA position 1409, C replaced by T.
Protein change: p.Pro470Leu; replaces proline 470 with leucine.
Molecular consequence: missense variant.
Genome position (GRCh38, 1-based): chr17:6,612,055, G>A on the plus strand (C>T on the coding strand, the complement: KIAA0753 is on the minus strand). VCF-style: chr17-6612055-G-A. GRCh37 (hg19) VCF-style: chr17-6515375-G-A.
Other names: c.512C>T, p.Pro171Leu (NM_001351225.2); short protein forms P171L, P470L.
Identifiers: ClinVar variation 1912856 (VCV001912856.6), dbSNP rs747290977, ClinGen allele CA8330486.

ClinVar aggregate classification (germline): Uncertain significance. Review status: criteria provided, multiple submitters, no conflicts (2 of 4 stars). 2 submissions from 2 submitters: Uncertain significance (2). Last evaluated 2025-07-23.

Allele frequency attached by ClinVar (database versions not stated): gnomAD 0.00001; gnomAD exomes 0.00002; TOPMed 0.00002; ExAC 0.00003.
gnomAD v4.1: 12 of 1,614,016 alleles (0.00074%); highest among the groups gnomAD compares: Admixed American, 0.02%; no homozygotes.

Submissions (2):

Labcorp Genetics (formerly Invitae), Labcorp
Classification: Uncertain significance. Last evaluated: 2025-07-23. Review status: criteria provided, single submitter. Criteria: Invitae Variant Classification Sherloc (09022015). Collection method: clinical testing. Allele origin: germline.
Comment: This sequence change replaces proline, which is neutral and non-polar, with leucine, which is neutral and non-polar, at codon 470 of the KIAA0753 protein (p.Pro470Leu). This variant is present in population databases (rs747290977, gnomAD 0.03%). This variant has not been reported in the literature in individuals affected with KIAA0753-related conditions. ClinVar contains an entry for this variant (Variation ID: 1912856). An algorithm developed to predict the effect of missense changes on protein structure and function outputs the following: PolyPhen-2: "Benign". The leucine amino acid residue is found in multiple mammalian species, which suggests that this missense change does not adversely affect protein function. In summary, the available evidence is currently insufficient to determine the role of this variant in disease. Therefore, it has been classified as a Variant of Uncertain Significance.

Blueprint Genetics
Classification: Uncertain significance. Last evaluated: 2022-03-29. Review status: criteria provided, single submitter. Criteria: ACMG Guidelines, 2015. Collection method: clinical testing. Allele origin: germline.